The following is an entry in ClinVar:

ClinVar aggregate classification (germline): Uncertain significance (1 of 4 stars; one submission).

Allele frequency attached by ClinVar (database versions not stated): TOPMed 0.00002.
gnomAD v4.1: 3 of 1,607,984 alleles (0.00019%); highest among the groups gnomAD compares: Non-Finnish European, 0.000085%; no homozygotes.

Submission:

Labcorp Genetics (formerly Invitae), Labcorp
Classification: Uncertain significance. Last evaluated: 2022-07-18. Review status: criteria provided, single submitter. Criteria: Invitae Variant Classification Sherloc (09022015). Collection method: clinical testing. Allele origin: germline.
Comment: This sequence change replaces arginine, which is basic and polar, with serine, which is neutral and polar, at codon 202 of the CDHR1 protein (p.Arg202Ser). This variant is present in population databases (no rsID available, gnomAD 0.0009%). This variant has not been reported in the literature in individuals affected with CDHR1-related conditions. ClinVar contains an entry for this variant (Variation ID: 1011475). Advanced modeling of protein sequence and biophysical properties (such as structural, functional, and spatial information, amino acid conservation, physicochemical variation, residue mobility, and thermodynamic stability) performed at Invitae indicates that this missense variant is not expected to disrupt CDHR1 protein function. In summary, the available evidence is currently insufficient to determine the role of this variant in disease. Therefore, it has been classified as a Variant of Uncertain Significance.

NM_033100.4(CDHR1):c.606G>T (p.Arg202Ser)

Gene: CDHR1 (cadherin related family member 1; plus strand). Cytogenetic location: 10q23.1.
Variant type: single nucleotide variant.
Coding change: c.606G>T on transcript NM_033100.4 (MANE Select); coding-DNA position 606, G replaced by T.
Protein change: p.Arg202Ser; replaces arginine 202 with serine.
Molecular consequence: missense variant.
Genome position (GRCh38, 1-based): chr10:84,201,887, G>T. VCF-style: chr10-84201887-G-T. GRCh37 (hg19) VCF-style: chr10-85961643-G-T.
Other names: c.606G>T, p.Arg202Ser (NM_001171971.3); short protein forms R202S.
Identifiers: ClinVar variation 1011475 (VCV001011475.10), dbSNP rs376739586, ClinGen allele CA210380181.